The following is an entry in ClinVar:

NM_001384732.1(CPLANE1):c.234G>A (p.Gly78=)

Gene: CPLANE1 (ciliogenesis and planar polarity effector complex subunit 1; minus strand). Cytogenetic location: 5p13.2.
Variant type: single nucleotide variant.
Coding change: c.234G>A on transcript NM_001384732.1 (MANE Select); coding-DNA position 234, G replaced by A.
Protein change: p.Gly78=; no amino-acid change (glycine 78 retained).
Molecular consequence: synonymous variant.
Genome position (GRCh38, 1-based): chr5:37,245,582, C>T on the plus strand (G>A on the coding strand, the complement: CPLANE1 is on the minus strand). VCF-style: chr5-37245582-C-T. GRCh37 (hg19) VCF-style: chr5-37245684-C-T.
Other names: c.234G>A, p.Gly78= (NM_023073.4).
Identifiers: ClinVar variation 2174497 (VCV002174497.5), dbSNP rs1479661458, ClinGen allele CA444098560.
Genomic context (GRCh38, chr5:37,245,582, plus strand): 5'-TATAGTTTTCAAACAATCTTGATCTTTGTTCCAAAGGAAAAGCTCTCCTGTAGTTAGTAC[C>T]CCAGCCAGCCAGGCATCTGTTTCCAAAAATGAAATGCAATACTTACAATCTAGTATTTCC-3'
Protein context (NP_001371661.1, residues 68-88): TTSSNDAWLA[Gly78=]VLTTGELFLW

ClinVar aggregate classification (germline): Conflicting classifications of pathogenicity. Review status: criteria provided, conflicting classifications (1 of 4 stars). 2 submissions from 2 submitters: Uncertain significance (1); Likely benign (1). Last evaluated 2026-07-01.

gnomAD v4.1: 9 of 1,515,268 alleles (0.00059%); highest among the groups gnomAD compares: Non-Finnish European, 0.00062%; no homozygotes.

Submissions (2):

CeGaT Center for Human Genetics Tuebingen
Classification: Likely benign. Last evaluated: 2026-07-01. Review status: criteria provided, single submitter. Criteria: CeGaT Center For Human Genetics Tuebingen Variant Classification Criteria Version 2. Collection method: clinical testing. Allele origin: germline. Affected: yes. Observed: 1 variant allele.
Comment: CPLANE1: BP4, BP7

Labcorp Genetics (formerly Invitae), Labcorp
Classification: Uncertain significance. Last evaluated: 2022-06-08. Review status: criteria provided, single submitter. Criteria: Invitae Variant Classification Sherloc (09022015). Collection method: clinical testing. Allele origin: germline.
Comment: Algorithms developed to predict the effect of sequence changes on RNA splicing suggest that this variant may create or strengthen a splice site. In summary, the available evidence is currently insufficient to determine the role of this variant in disease. Therefore, it has been classified as a Variant of Uncertain Significance. This variant has not been reported in the literature in individuals affected with CPLANE1-related conditions. This variant is not present in population databases (gnomAD no frequency). This sequence change affects codon 78 of the CPLANE1 mRNA. It is a 'silent' change, meaning that it does not change the encoded amino acid sequence of the CPLANE1 protein.